The following is an entry in ClinVar:

NM_015910.7(WDPCP):c.59C>T (p.Ser20Phe)

Gene: WDPCP (WD repeat containing planar cell polarity effector; minus strand). Cytogenetic location: 2p15.
Variant type: single nucleotide variant.
Coding change: c.59C>T on transcript NM_015910.7 (MANE Select); coding-DNA position 59, C replaced by T.
Protein change: p.Ser20Phe; replaces serine 20 with phenylalanine.
Molecular consequence: missense variant. On other transcripts: non-coding transcript variant (2), 5 prime UTR variant (1).
Genome position (GRCh38, 1-based): chr2:63,588,213, G>A on the plus strand (C>T on the coding strand, the complement: WDPCP is on the minus strand). VCF-style: chr2-63588213-G-A. GRCh37 (hg19) VCF-style: chr2-63815347-G-A.
Other names: c.-266C>T (NM_001354044.2); c.59C>T, p.Ser20Phe (NM_001354045.2); short protein forms S20F.
Identifiers: ClinVar variation 3054891 (VCV003054891.4), dbSNP rs1435264991, ClinGen allele CA347066544.
Genomic context (GRCh38, chr2:63,588,213, plus strand): 5'-CCTAAGGTTAAAAGAAAACCCCTTGCCCTCGGGCCAGGGCTCACCTGTCTCGGGAGTGGG[G>A]AAGAAGCGCGACTCCCGGCCGCTTTGGAGTAGGCGTCCCAGCAAAACTCTCGCCTCATCA-3'
Protein context (NP_056994.3, residues 10-30): YSKAAGSRAS[Ser20Phe]PLPRQDRDSF

ClinVar aggregate classification (germline): Uncertain significance. Review status: criteria provided, multiple submitters, no conflicts (2 of 4 stars). 2 submissions from 2 submitters: Uncertain significance (2). Last evaluated 2025-10-13.

Conditions:
Bardet-Biedl syndrome 15 (BBS15). Identifiers: Orphanet 110, MedGen C3150127, MONDO:0014443, OMIM 615992.
Heart defect - tongue hamartoma - polysyndactyly syndrome. Also called: Congenital heart defects, hamartomas of tongue, and polysyndactyly. Identifiers: Orphanet 1338, MedGen C1857587, MONDO:0009008, OMIM 217085.
WDPCP-related disorder. Also called: WDPCP-related condition.

gnomAD v4.1: 5 of 1,572,168 alleles (0.00032%); highest among the groups gnomAD compares: Non-Finnish European, 0.00043%; no homozygotes.

Submissions (2):

PreventionGenetics, part of Exact Sciences
Classification: Uncertain significance for WDPCP-related condition. Last evaluated: 2025-10-13. Review status: criteria provided, single submitter. Criteria: ACMG Guidelines, 2015. Collection method: clinical testing. Allele origin: germline.
Comment: The WDPCP c.59C>T variant is predicted to result in the amino acid substitution p.Ser20Phe. To our knowledge, this variant has not been reported in the literature. This variant is reported in 0.0% of alleles in individuals of African descent in gnomAD. At this time, the clinical significance of this variant is uncertain due to the absence of conclusive functional and genetic evidence.

Fulgent Genetics
Classification: Uncertain significance for Heart defect - tongue hamartoma - polysyndactyly syndrome; Bardet-Biedl syndrome 15. Last evaluated: 2024-04-25. Review status: criteria provided, single submitter. Criteria: ACMG Guidelines, 2015. Collection method: clinical testing. Allele origin: germline.